The following is an entry in ClinVar:

ClinVar aggregate classification (germline): Uncertain significance. Review status: criteria provided, multiple submitters, no conflicts (2 of 4 stars). 2 submissions from 2 submitters: Uncertain significance (2). Last evaluated 2025-11-03.

Conditions:
Inborn genetic diseases. Identifiers: MedGen C0950123, MeSH D030342.

gnomAD v4.1: 1 of 1,612,624 alleles (0.000062%); highest among the groups gnomAD compares: East Asian, 0.0022%; no homozygotes.

Submissions (2):

Labcorp Genetics (formerly Invitae), Labcorp
Classification: Uncertain significance. Last evaluated: 2025-11-03. Review status: criteria provided, single submitter. Criteria: Invitae Variant Classification Sherloc (09022015). Collection method: clinical testing. Allele origin: germline.
Comment: This sequence change replaces glutamic acid, which is acidic and polar, with glutamine, which is neutral and polar, at codon 1118 of the ANKRD26 protein (p.Glu1118Gln). This variant is not present in population databases (gnomAD no frequency). This variant has not been reported in the literature in individuals affected with ANKRD26-related conditions. ClinVar contains an entry for this variant (Variation ID: 2741074). An algorithm developed to predict the effect of missense changes on protein structure and function (PolyPhen-2) suggests that this variant is likely to be disruptive. In summary, the available evidence is currently insufficient to determine the role of this variant in disease. Therefore, it has been classified as a Variant of Uncertain Significance.

Ambry Genetics
Classification: Uncertain significance for Inborn genetic diseases. Last evaluated: 2024-12-02. Review status: criteria provided, single submitter. Criteria: Ambry Variant Classification Scheme 2023. Collection method: clinical testing. Allele origin: germline.
Comment: The p.E1118Q variant (also known as c.3352G>C), located in coding exon 24 of the ANKRD26 gene, results from a G to C substitution at nucleotide position 3352. The glutamic acid at codon 1118 is replaced by glutamine, an amino acid with highly similar properties. This amino acid position is conserved. In addition, this alteration is predicted to be tolerated by in silico analysis. Based on the available evidence, the clinical significance of this variant remains unclear.

NM_014915.3(ANKRD26):c.3352G>C (p.Glu1118Gln)

Gene: ANKRD26 (ankyrin repeat domain 26; minus strand). Cytogenetic location: 10p12.1.
Variant type: single nucleotide variant.
Coding change: c.3352G>C on transcript NM_014915.3 (MANE Select); coding-DNA position 3352, G replaced by C.
Protein change: p.Glu1118Gln; replaces glutamic acid 1118 with glutamine.
Molecular consequence: missense variant.
Genome position (GRCh38, 1-based): chr10:27,035,098, C>G on the plus strand (G>C on the coding strand, the complement: ANKRD26 is on the minus strand). VCF-style: chr10-27035098-C-G. GRCh37 (hg19) VCF-style: chr10-27324027-C-G.
Other names: c.3349G>C, p.Glu1117Gln (NM_001256053.2); short protein forms E1117Q, E1118Q.
Identifiers: ClinVar variation 2741074 (VCV002741074.4), dbSNP rs2538758871, ClinGen allele CA376363125.